The following is an entry in ClinVar:

NM_001242896.3(DEPDC5):c.3911T>A (p.Val1304Glu)

Gene: DEPDC5 (DEP domain containing 5, GATOR1 subcomplex subunit; plus strand). Cytogenetic location: 22q12.3.
Variant type: single nucleotide variant.
Coding change: c.3911T>A on transcript NM_001242896.3 (MANE Select); coding-DNA position 3911, T replaced by A.
Protein change: p.Val1304Glu; replaces valine 1304 with glutamic acid.
Molecular consequence: missense variant. On other transcripts: non-coding transcript variant (5).
Genome position (GRCh38, 1-based): chr22:31,879,630, T>A. VCF-style: chr22-31879630-T-A. GRCh37 (hg19) VCF-style: chr22-32275616-T-A.
Other names: c.3884T>A, p.Val1295Glu (NM_001136029.4); c.3611T>A, p.Val1204Glu (NM_001242897.2); c.3845T>A, p.Val1282Glu (NM_001363852.2, NM_001364320.2); c.3677T>A, p.Val1226Glu (NM_001363854.2, NM_001364319.2); c.3911T>A, p.Val1304Glu (NM_001364318.2); c.3827T>A, p.Val1276Glu (NM_001369901.1, NM_001369902.1); c.3818T>A, p.Val1273Glu (NM_001369903.1, NM_014662.6); short protein forms V1226E, V1273E, V1276E, V1282E, V1295E, V1304E, V1204E.
Identifiers: ClinVar variation 1302526 (VCV001302526.6), dbSNP rs368558048, ClinGen allele CA323340921.

ClinVar aggregate classification (germline): Uncertain significance. Review status: criteria provided, multiple submitters, no conflicts (2 of 4 stars). 3 submissions from 3 submitters: Uncertain significance (3). Last evaluated 2024-12-02.

Conditions:
Inborn genetic diseases. Identifiers: MedGen C0950123, MeSH D030342.
Familial focal epilepsy with variable foci (FPEVF). Identifiers: Orphanet 98820, MedGen C1858477, MONDO:0020310.

Allele frequency attached by ClinVar (database versions not stated): gnomAD 0.00001; gnomAD exomes 0.00001; TOPMed 0.00002; ESP Exome Variant Server 0.00008.
gnomAD v4.1: 4 of 1,614,008 alleles (0.00025%); highest among the groups gnomAD compares: African/African-American, 0.0053%; no homozygotes.

Submissions (3):

Labcorp Genetics (formerly Invitae), Labcorp
Classification: Uncertain significance for Familial focal epilepsy with variable foci. Last evaluated: 2024-12-02. Review status: criteria provided, single submitter. Criteria: Invitae Variant Classification Sherloc (09022015). Collection method: clinical testing. Allele origin: germline.
Comment: This sequence change replaces valine, which is neutral and non-polar, with glutamic acid, which is acidic and polar, at codon 1304 of the DEPDC5 protein (p.Val1304Glu). This variant is not present in population databases (gnomAD no frequency). This variant has not been reported in the literature in individuals affected with DEPDC5-related conditions. ClinVar contains an entry for this variant (Variation ID: 1302526). Experimental studies and prediction algorithms are not available or were not evaluated, and the functional significance of this variant is currently unknown. In summary, the available evidence is currently insufficient to determine the role of this variant in disease. Therefore, it has been classified as a Variant of Uncertain Significance.

Ambry Genetics
Classification: Uncertain significance for Inborn genetic diseases. Last evaluated: 2023-12-26. Review status: criteria provided, single submitter. Criteria: Ambry Variant Classification Scheme 2023. Collection method: clinical testing. Allele origin: germline.

GeneDx
Classification: Uncertain significance. Last evaluated: 2019-04-16. Review status: criteria provided, single submitter. Criteria: GeneDx Variant Classification Process June 2021. Collection method: clinical testing. Allele origin: germline. Affected: yes.
Comment: Not observed in large population cohorts (Lek et al., 2016); In silico analysis, which includes protein predictors and evolutionary conservation, supports that this variant does not alter protein structure/function; Has not been previously published as pathogenic or benign to our knowledge